The following is an entry in ClinVar:

ClinVar aggregate classification (germline): Likely pathogenic (1 of 4 stars; one submission).

Conditions:
Neurodevelopmental disorder with speech impairment and dysmorphic facies. Identifiers: MedGen C5436699, MONDO:0033630, OMIM 619056.

Submission:

3billion
Classification: Likely pathogenic for Neurodevelopmental disorder with speech impairment and dysmorphic facies. Last evaluated: 2024-12-09. Review status: criteria provided, single submitter. Criteria: ACMG Guidelines, 2015. Collection method: clinical testing. Allele origin: germline. Affected: yes.
Comment: The variant is observed at an extremely low frequency in the gnomAD v4.1.0 dataset (total allele frequency: <0.001%). Predicted Consequence/Location: Frameshift: predicted to result in a loss or disruption of normal protein function through nonsense-mediated decay (NMD) or protein truncation. Multiple pathogenic variants are reported downstream of the variant. Therefore, this variant is classified as Likely pathogenic according to the recommendation of ACMG/AMP guideline.

NM_014712.3(SETD1A):c.1943dup (p.Pro649fs)

Gene: SETD1A (SET domain containing 1A, histone lysine methyltransferase; plus strand). Cytogenetic location: 16p11.2.
Variant type: Duplication.
Coding change: c.1943dup on transcript NM_014712.3 (MANE Select); coding-DNA position 1943, one base duplicated (C; older notation c.1943dupC).
Protein change: p.Pro649fs; shifts the reading frame from proline 649.
Molecular consequence: frameshift variant.
Genome position (GRCh38, 1-based): chr16:30,965,824, C duplicated; the last of 6 consecutive C bases (chr16:30,965,819-30,965,824); duplicating any one gives the same sequence. VCF-style (leftmost placement, unchanged base first): chr16-30965818-A-AC. GRCh37 (hg19) VCF-style: chr16-30977139-A-AC.
Other names: short protein forms P649fs.
Identifiers: ClinVar variation 4292564 (VCV004292564.1).